The following is an entry in ClinVar:

NM_001134831.2(AHI1):c.1420del (p.Ile474fs)

Gene: AHI1 (Abelson helper integration site 1; minus strand). Cytogenetic location: 6q23.3.
Variant type: Deletion.
Coding change: c.1420del on transcript NM_001134831.2 (MANE Select); coding-DNA position 1420, one base deleted (A; older notation c.1420delA).
Protein change: p.Ile474fs; shifts the reading frame from isoleucine 474.
Molecular consequence: frameshift variant.
Genome position (GRCh38, 1-based): chr6:135,453,361, T deleted on the plus strand (A on the coding strand, the reverse complement: AHI1 is on the minus strand); the first of 4 consecutive T bases (chr6:135,453,361-135,453,364); deleting any one gives the same sequence. VCF-style (leftmost placement, unchanged base first): chr6-135453360-AT-A. GRCh37 (hg19) VCF-style: chr6-135774498-AT-A.
Other names: c.1420delA (NM_017651.4); c.1420del (NM_017651.4); c.1420del, p.Ile474fs (NM_001134830.2, NM_001134832.2, NM_001350503.2 and 2 more transcripts); short protein forms I474fs.
Identifiers: ClinVar variation 1422218 (VCV001422218.12), dbSNP rs1369440486, ClinGen allele CA819359323.
Genomic context (GRCh38, chr6:135,453,360, plus strand): 5'-AAGACTAGTTTTAAAGTGTTTAAAATGGATGAAAAACATACCTTAAGAAATGCCCAGGCA[AT>A]TTTCCGAAAGCCACATTCTTGGTTTTGAACCTCAGAATTATTCTTAATTTCATCCACGCT-3'

ClinVar aggregate classification (germline): Pathogenic/Likely pathogenic. Review status: criteria provided, multiple submitters, no conflicts (2 of 4 stars). 4 submissions from 4 submitters: Pathogenic (3); Likely pathogenic (1). Last evaluated 2024-04-11.

Conditions:
Inborn genetic diseases. Identifiers: MedGen C0950123, MeSH D030342.
Joubert syndrome. Also called: CEREBELLOPARENCHYMAL DISORDER IV; JOUBERT-BOLTSHAUSER SYNDROME; Familial aplasia of the vermis. Identifiers: Orphanet 475, MedGen C5979921, MONDO:0018772.
Joubert syndrome 3 (JBTS3). Also called: AHI1-related Ciliopathy. Identifiers: Orphanet 220493, MedGen C1837713, MONDO:0012078, OMIM 608629.

Submissions (4):

Fulgent Genetics
Classification: Likely pathogenic for Joubert syndrome 3. Last evaluated: 2024-04-11. Review status: criteria provided, single submitter. Criteria: ACMG Guidelines, 2015. Collection method: clinical testing. Allele origin: germline.

Labcorp Genetics (formerly Invitae), Labcorp
Classification: Pathogenic for Joubert syndrome. Last evaluated: 2024-03-01. Review status: criteria provided, single submitter. Criteria: Invitae Variant Classification Sherloc (09022015). Collection method: clinical testing. Allele origin: germline.
Comment: This sequence change creates a premature translational stop signal (p.Ile474Leufs*36) in the AHI1 gene. It is expected to result in an absent or disrupted protein product. Loss-of-function variants in AHI1 are known to be pathogenic (PMID: 15322546, 16453322, 28442542, 29186038). This variant is not present in population databases (gnomAD no frequency). This premature translational stop signal has been observed in individual(s) with Joubert syndrome (PMID: 16453322). This variant is also known as 1417delA (fs509X). ClinVar contains an entry for this variant (Variation ID: 1422218). For these reasons, this variant has been classified as Pathogenic.

Victorian Clinical Genetics Services, Murdoch Childrens Research Institute
Classification: Pathogenic for Joubert syndrome 3. Last evaluated: 2022-06-24. Review status: criteria provided, single submitter. Criteria: ACMG Guidelines, 2015. Collection method: clinical testing. Allele origin: germline. Inheritance: Autosomal recessive inheritance. Affected: yes.
Comment: Based on the classification scheme VCGS_Germline_v1.3.4, this variant is classified as Pathogenic. Following criteria are met: 0102 - Loss of function is a known mechanism of disease in this gene and is associated with Joubert syndrome 3 (MIM#608629). (I) 0106 - This gene is associated with autosomal recessive disease. (I) 0201 - Variant is predicted to cause nonsense-mediated decay (NMD) and loss of protein (premature termination codon is located at least 54 nucleotides upstream of the final exon-exon junction). (SP) 0251 - This variant is heterozygous. (I) 0304 - Variant is present in gnomAD (v3) <0.01 for a recessive condition (1 heterozygote, 0 homozygotes). (SP) 0701 - Other NMD-predicted variants comparable to the one identified in this case have very strong previous evidence for pathogenicity (DECIPHER). (SP) 0807 - This variant has no previous evidence of pathogenicity. (I) 0905 - No published segregation evidence has been identified for this variant. (I) 1007 - No published functional evidence has been identified for this variant. (I) 1102 - Strong phenotype match for this individual. (I) Legend: (SP) - Supporting pathogenic, (I) - Information, (SB) - Supporting benign

Ambry Genetics
Classification: Pathogenic for Inborn genetic diseases. Last evaluated: 2022-01-25. Review status: criteria provided, single submitter. Criteria: Ambry Variant Classification Scheme 2023. Collection method: clinical testing. Allele origin: germline.
Comment: The c.1420delA (p.I474Lfs*36) alteration, located in exon 10 (coding exon 8) of the AHI1 gene, consists of a deletion of one nucleotide at position 1420, causing a translational frameshift with a predicted alternate stop codon after 36 amino acids. This alteration is expected to result in loss of function by premature protein truncation or nonsense-mediated mRNA decay. This variant was not reported in population-based cohorts in the Genome Aggregation Database (gnomAD). This mutation, designated as 1417delA, was reported in trans with a nonsense variant in an individual with Joubert syndrome (Valente, 2006). Based on the available evidence, this alteration is classified as pathogenic.

Literature cited by the submitters: PubMed 15322546 (cited by Labcorp Genetics (formerly Invitae), Labcorp); PubMed 16453322 (cited by Labcorp Genetics (formerly Invitae), Labcorp and Ambry Genetics); PubMed 28442542 (cited by Labcorp Genetics (formerly Invitae), Labcorp); PubMed 29186038 (cited by Labcorp Genetics (formerly Invitae), Labcorp).